The following is an entry in ClinVar:

ClinVar aggregate classification (germline): Pathogenic/Likely pathogenic. Review status: criteria provided, multiple submitters, no conflicts (2 of 4 stars). 3 submissions from 3 submitters: Pathogenic (2); Likely pathogenic (1). Last evaluated 2025-05-29.

Conditions:
Carnitine deficiency. Identifiers: MedGen C1142132.
Renal carnitine transport defect (CDSP). Also called: Systemic primary carnitine deficiency disease; CARNITINE DEFICIENCY, SYSTEMIC, DUE TO DEFECT IN RENAL REABSORPTION OF CARNITINE; CARNITINE TRANSPORTER, PLASMA-MEMBRANE, DEFICIENCY OF; CARNITINE UPTAKE DEFECT; Carnitine transporter deficiency; Carnitine Deficiency, Systemic. Identifiers: Orphanet 158, MedGen C0342788, MONDO:0008919, OMIM 212140.

Submissions (3):

Natera, Inc.
Classification: Likely pathogenic for Carnitine deficiency. Last evaluated: 2025-05-29. Review status: criteria provided, single submitter. Criteria: Natera Variant Classification Schema (03/2026). Collection method: clinical testing. Allele origin: germline.
Comment: The c.802del variant in SLC22A5 is a frameshift variant predicted to shift the reading frame beginning at codon 268 and leads to a stop codon 28 codons downstream. This variant is expected to result in nonsense mediated decay, truncation, or a dysfunctional protein product. This variant is rare in the general population with a frequency below the threshold expected for the associated phenotype(s). Given the available evidence, this variant is classified as Likely Pathogenic.

Baylor Genetics
Classification: Pathogenic for Renal carnitine transport defect. Last evaluated: 2022-10-24. Review status: criteria provided, single submitter. Criteria: ACMG Guidelines, 2015. Collection method: clinical testing. Allele origin: unknown.

Labcorp Genetics (formerly Invitae), Labcorp
Classification: Pathogenic for Renal carnitine transport defect. Last evaluated: 2021-02-09. Review status: criteria provided, single submitter. Criteria: Invitae Variant Classification Sherloc (09022015). Collection method: clinical testing. Allele origin: germline.
Comment: For these reasons, this variant has been classified as Pathogenic. This variant has not been reported in the literature in individuals with SLC22A5-related conditions. This variant is not present in population databases (ExAC no frequency). This sequence change creates a premature translational stop signal (p.Val268Cysfs*28) in the SLC22A5 gene. It is expected to result in an absent or disrupted protein product. Loss-of-function variants in SLC22A5 are known to be pathogenic (PMID: 9916797).

Literature cited by the submitters: PubMed 9916797 (cited by Labcorp Genetics (formerly Invitae), Labcorp).

NM_003060.4(SLC22A5):c.802del (p.Val268fs)

Gene: SLC22A5 (solute carrier family 22 member 5; plus strand). Cytogenetic location: 5q31.1.
Variant type: Deletion.
Coding change: c.802del on transcript NM_003060.4 (MANE Select); coding-DNA position 802, one base deleted (G; older notation c.802delG).
Protein change: p.Val268fs; shifts the reading frame from valine 268.
Molecular consequence: frameshift variant.
Genome position (GRCh38, 1-based): chr5:132,385,477, G deleted; the last of 5 consecutive G bases (chr5:132,385,473-132,385,477); deleting any one gives the same sequence. VCF-style (leftmost placement, unchanged base first): chr5-132385472-CG-C. GRCh37 (hg19) VCF-style: chr5-131721164-CG-C.
Other names: c.874del, p.Val292fs (NM_001308122.2); c.802del (NM_003060.3); short protein forms V268fs, V292fs.
Identifiers: ClinVar variation 1451891 (VCV001451891.9), dbSNP rs2126783993, ClinGen allele CA2573138869.